The following is an entry in ClinVar:

NM_001190417.2(ZNF674):c.662G>A (p.Cys221Tyr)

Gene: ZNF674 (zinc finger protein 674; minus strand). Cytogenetic location: Xp11.3.
Variant type: single nucleotide variant.
Coding change: c.662G>A on transcript NM_001190417.2 (MANE Select); coding-DNA position 662, G replaced by A.
Protein change: p.Cys221Tyr; replaces cysteine 221 with tyrosine.
Molecular consequence: missense variant.
Genome position (GRCh38, 1-based): chrX:46,500,912, C>T on the plus strand (G>A on the coding strand, the complement: ZNF674 is on the minus strand). VCF-style: chrX-46500912-C-T. GRCh37 (hg19) VCF-style: chrX-46360347-C-T.
Other names: c.677G>A, p.Cys226Tyr (NM_001039891.3); c.659G>A, p.Cys220Tyr (NM_001146291.2); short protein forms C226Y, C221Y, C220Y.
Identifiers: ClinVar variation 1755388 (VCV001755388.2), dbSNP rs1342350547, ClinGen allele CA413030609.
Genomic context (GRCh38, chrX:46,500,912, plus strand): 5'-TGAGTTCTTTGATGTACAACTAAGTTTGCTTTCTGGATAAACACTTTTCCACATTCAGTA[C>T]ATTTGTAGAGTTTCTCCCCAGTTTGACTTCTCTGACTTTTTCTAAGGGCTTGCTTTTGGT-3'
Protein context (NP_001177346.1, residues 211-231): RSQTGEKLYK[Cys221Tyr]TECGKVFIQK

ClinVar aggregate classification (germline): Uncertain significance (1 of 4 stars; one submission).

Allele frequency attached by ClinVar (database versions not stated): gnomAD 0.00001; TOPMed 0.00001.

Submission:

Ambry Genetics
Classification: Uncertain significance. Last evaluated: 2015-06-23. Review status: criteria provided, single submitter. Criteria: Ambry Variant Classification Scheme 2023. Collection method: clinical testing. Allele origin: germline.
Comment: The p.C226Y variant (also known as c.677G>A), located in coding exon 4 of the ZNF674 gene, results from a G to A substitution at nucleotide position 677. The cysteine at codon 226 is replaced by tyrosine, an amino acid with highly dissimilar properties. This variant was not reported in population based cohorts in the following databases: Database of Single Nucleotide Polymorphisms (dbSNP), NHLBI Exome Sequencing Project (ESP), and 1000 Genomes Project. In the ESP, this variant was not observed in 5747 samples with coverage at this position. This amino acid position is well conserved vertebrates on limited sequence alignment. In addition, this alteration is predicted to be probably damaging and deleterious by PolyPhen and SIFT in silico analyses, respectively. Since supporting evidence is limited at this time, the clinical significance of this variant remains unclear.